The following is an entry in ClinVar:

ClinVar aggregate classification (germline): Benign/Likely benign. Review status: criteria provided, multiple submitters, no conflicts (2 of 4 stars). 4 submissions from 4 submitters: Benign (1); Likely benign (3). Last evaluated 2025-05-05.

Conditions:
Familial adenomatous polyposis 1 (FAP1). Also called: FAMILIAL ADENOMATOUS POLYPOSIS 1, ATTENUATED; POLYPOSIS, ADENOMATOUS INTESTINAL. Identifiers: MedGen C2713442, MONDO:0021056, OMIM 175100. Disease mechanism: loss of function.
Hereditary cancer-predisposing syndrome. Also called: Hereditary Cancer Syndrome; Neoplastic Syndromes, Hereditary; Tumor predisposition; Hereditary neoplastic syndrome. Identifiers: Orphanet 140162, MedGen C0027672, MeSH D009386, MONDO:0015356.

Allele frequency attached by ClinVar (database versions not stated): gnomAD exomes below 0.00001; TOPMed below 0.00001; ExAC 0.00001.
gnomAD v4.1: 1 of 1,612,162 alleles (0.000062%); highest among the groups gnomAD compares: Admixed American, 0.0017%; no homozygotes.

Submissions (4):

Labcorp Genetics (formerly Invitae), Labcorp
Classification: Likely benign for Familial adenomatous polyposis 1. Last evaluated: 2025-05-05. Review status: criteria provided, single submitter. Criteria: Invitae Variant Classification Sherloc (09022015). Collection method: clinical testing. Allele origin: germline.

Myriad Genetics, Inc.
Classification: Benign for Familial adenomatous polyposis 1. Last evaluated: 2024-02-26. Review status: criteria provided, single submitter. Criteria: Myriad Autosomal Dominant, Autosomal Recessive and X-Linked Classification Criteria (2023). Collection method: clinical testing. Allele origin: unknown.
Comment: This variant is considered benign. This variant is a silent/synonymous amino acid change and it is not expected to impact splicing.

GeneDx
Classification: Likely benign. Last evaluated: 2019-11-12. Review status: criteria provided, single submitter. Criteria: GeneDx Variant Classification Process June 2021. Collection method: clinical testing. Allele origin: germline. Affected: yes.

Ambry Genetics
Classification: Likely benign for Hereditary cancer-predisposing syndrome. Last evaluated: 2018-03-08. Review status: criteria provided, single submitter. Criteria: Ambry Variant Classification Scheme 2023. Collection method: clinical testing. Allele origin: germline.

NM_000038.6(APC):c.711C>G (p.Ser237=)

Gene: APC (APC regulator of Wnt signaling pathway; plus strand). Cytogenetic location: 5q22.2.
Variant type: single nucleotide variant.
Coding change: c.711C>G on transcript NM_000038.6 (MANE Select); coding-DNA position 711, C replaced by G.
Protein change: p.Ser237=; no amino-acid change (serine 237 retained).
Molecular consequence: synonymous variant. On other transcripts: 5 prime UTR variant (1), intron variant (2).
Genome position (GRCh38, 1-based): chr5:112,792,511, C>G. VCF-style: chr5-112792511-C-G. GRCh37 (hg19) VCF-style: chr5-112128208-C-G.
Other names: c.711C>G, p.Ser237= (NM_001127510.3, NM_001354895.2, NM_001354896.2 and 1 more transcripts); c.741C>G, p.Ser247= (NM_001354897.2, NM_001354902.2); c.636C>G, p.Ser212= (NM_001354898.2, NM_001354904.2); c.534C>G, p.Ser178= (NM_001354900.2, NM_001354901.2, NM_001354905.2); c.-325C>G (NM_001354906.2); c.676-8768C>G (NM_001127511.3); c.646-8768C>G (NM_001354899.2).
Identifiers: ClinVar variation 511971 (VCV000511971.18), dbSNP rs758646398, ClinGen allele CA046982.